The following is an entry in ClinVar:

ClinVar aggregate classification (germline): Uncertain significance (1 of 4 stars; one submission).

gnomAD v4.1: 1 of 1,614,040 alleles (0.000062%); highest among the groups gnomAD compares: Admixed American, 0.0017%; no homozygotes.

Submission:

CeGaT Center for Human Genetics Tuebingen
Classification: Uncertain significance. Last evaluated: 2026-04-01. Review status: criteria provided, single submitter. Criteria: CeGaT Center For Human Genetics Tuebingen Variant Classification Criteria Version 2. Collection method: clinical testing. Allele origin: germline. Affected: yes. Observed: 1 variant allele.
Comment: ARID1B: PM2, BP4

NM_001374828.1(ARID1B):c.4652G>A (p.Ser1551Asn)

Gene: ARID1B (AT-rich interaction domain 1B; plus strand). Cytogenetic location: 6q25.3.
Variant type: single nucleotide variant.
Coding change: c.4652G>A on transcript NM_001374828.1 (MANE Select); coding-DNA position 4652, G replaced by A.
Protein change: p.Ser1551Asn; replaces serine 1551 with asparagine.
Molecular consequence: missense variant.
Genome position (GRCh38, 1-based): chr6:157,200,877, G>A. VCF-style: chr6-157200877-G-A. GRCh37 (hg19) VCF-style: chr6-157522011-G-A.
Other names: c.2153G>A, p.Ser718Asn (NM_001363725.2); c.4532G>A, p.Ser1511Asn (NM_001371656.1, NM_001374820.1); c.4781G>A, p.Ser1594Asn (NM_001438482.1); c.4694G>A, p.Ser1565Asn (NM_001438483.1); c.4562G>A, p.Ser1521Asn (NM_001438485.1); c.4535G>A, p.Ser1512Asn (NM_001438486.1); c.4472G>A, p.Ser1491Asn (NM_001438487.1); c.1994G>A, p.Ser665Asn (NM_001438488.1); and 1 more; short protein forms S1491N, S1498N, S1511N, S1512N, S1521N, S1551N, S1565N, S1594N.
Identifiers: ClinVar variation 4872688 (VCV004872688.2).